The following is an entry in ClinVar:

NM_000088.4(COL1A1):c.2560-1G>A

Gene: COL1A1 (collagen type I alpha 1 chain; minus strand). Cytogenetic location: 17q21.33.
Variant type: single nucleotide variant.
Coding change: c.2560-1G>A on transcript NM_000088.4 (MANE Select); the canonical splice acceptor site of the intron before coding-DNA position 2560, G replaced by A.
Molecular consequence: splice acceptor variant.
Genome position (GRCh38, 1-based): chr17:50,189,913, C>T on the plus strand (G>A on the coding strand, the complement: COL1A1 is on the minus strand). VCF-style: chr17-50189913-C-T. GRCh37 (hg19) VCF-style: chr17-48267274-C-T.
Identifiers: ClinVar variation 1702106 (VCV001702106.4), dbSNP rs72653139, ClinGen allele CA291543274.

ClinVar aggregate classification (germline): Pathogenic. Review status: criteria provided, multiple submitters, no conflicts (2 of 4 stars). 2 submissions from 2 submitters: Pathogenic (2). Last evaluated 2024-12-12.

Conditions:
Osteogenesis imperfecta (OI). Identifiers: Orphanet 666, MedGen C0029434, MeSH D010013, MONDO:0019019.

Submissions (2):

GeneDx
Classification: Pathogenic. Last evaluated: 2024-12-12. Review status: criteria provided, single submitter. Criteria: GeneDx Variant Classification Process June 2021. Collection method: clinical testing. Allele origin: germline. Affected: yes.
Comment: Damages or destroys the splice acceptor site in intron 36, and is expected to cause abnormal gene splicing; if the splice outcome is exon skip, the loss of the encoded residues in the triple helical region is expected to disrupt normal protein folding and function, and this is an established mechanism of disease (HGMD); Not observed at significant frequency in large population cohorts (gnomAD); This variant is associated with the following publications: (PMID: 15241796, 25525159, 17078022, 25963598, 29807018)

Genome Diagnostics Laboratory, The Hospital for Sick Children
Classification: Pathogenic for Osteogenesis imperfecta. Last evaluated: 2022-05-04. Review status: criteria provided, single submitter. Criteria: ACMG Guidelines, 2015. Collection method: clinical testing. Allele origin: germline.